The following is an entry in ClinVar:

ClinVar aggregate classification (germline): Uncertain significance. Review status: criteria provided, multiple submitters, no conflicts (2 of 4 stars). 2 submissions from 2 submitters: Uncertain significance (2). Last evaluated 2022-03-19.

Conditions:
Familial cancer of breast. Also called: hereditary breast carcinoma; BREAST CANCER, FAMILIAL; Hereditary breast cancer. Identifiers: Orphanet 227535, MedGen C0346153, MONDO:0016419, OMIM 114480. Disease mechanism: loss of function.
Fanconi anemia complementation group J. Also called: BRIP1-Related Fanconi Anemia. Identifiers: Orphanet 84, MedGen C1836860, MONDO:0012187, OMIM 609054.
Hereditary cancer-predisposing syndrome. Also called: Hereditary Cancer Syndrome; Tumor predisposition; Neoplastic Syndromes, Hereditary; Hereditary neoplastic syndrome. Identifiers: Orphanet 140162, MedGen C0027672, MeSH D009386, MONDO:0015356.

Submissions (2):

Labcorp Genetics (formerly Invitae), Labcorp
Classification: Uncertain significance for Familial cancer of breast; Fanconi anemia complementation group J. Last evaluated: 2022-03-19. Review status: criteria provided, single submitter. Criteria: Invitae Variant Classification Sherloc (09022015). Collection method: clinical testing. Allele origin: germline.
Comment: This sequence change replaces serine, which is neutral and polar, with tyrosine, which is neutral and polar, at codon 495 of the BRIP1 protein (p.Ser495Tyr). This variant is not present in population databases (gnomAD no frequency). This variant has not been reported in the literature in individuals affected with BRIP1-related conditions. ClinVar contains an entry for this variant (Variation ID: 650311). Algorithms developed to predict the effect of missense changes on protein structure and function are either unavailable or do not agree on the potential impact of this missense change (SIFT: "Deleterious"; PolyPhen-2: "Possibly Damaging"; Align-GVGD: "Class C0"). In summary, the available evidence is currently insufficient to determine the role of this variant in disease. Therefore, it has been classified as a Variant of Uncertain Significance.

Ambry Genetics
Classification: Uncertain significance for Hereditary cancer-predisposing syndrome. Last evaluated: 2021-12-11. Review status: criteria provided, single submitter. Criteria: Ambry Variant Classification Scheme 2023. Collection method: clinical testing. Allele origin: germline.
Comment: The p.S495Y variant (also known as c.1484C>A), located in coding exon 10 of the BRIP1 gene, results from a C to A substitution at nucleotide position 1484. The serine at codon 495 is replaced by tyrosine, an amino acid with dissimilar properties. This amino acid position is conserved. In addition, this alteration is predicted to be tolerated by in silico analysis. Since supporting evidence is limited at this time, the clinical significance of this alteration remains unclear.

NM_032043.3(BRIP1):c.1484C>A (p.Ser495Tyr)

Gene: BRIP1 (BRCA1 interacting DNA helicase 1; minus strand). Cytogenetic location: 17q23.2.
Variant type: single nucleotide variant.
Coding change: c.1484C>A on transcript NM_032043.3 (MANE Select); coding-DNA position 1484, C replaced by A.
Protein change: p.Ser495Tyr; replaces serine 495 with tyrosine.
Molecular consequence: missense variant.
Genome position (GRCh38, 1-based): chr17:61,784,414, G>T on the plus strand (C>A on the coding strand, the complement: BRIP1 is on the minus strand). VCF-style: chr17-61784414-G-T. GRCh37 (hg19) VCF-style: chr17-59861775-G-T.
Other names: short protein forms S495Y.
Identifiers: ClinVar variation 650311 (VCV000650311.12), dbSNP rs536081549, ClinGen allele CA400481738.